The following is an entry in ClinVar:

ClinVar aggregate classification (germline): Uncertain significance. Review status: criteria provided, multiple submitters, no conflicts (2 of 4 stars). 2 submissions from 2 submitters: Uncertain significance (2). Last evaluated 2025-05-31.

Conditions:
Hereditary cancer-predisposing syndrome. Also called: Hereditary neoplastic syndrome; Neoplastic Syndromes, Hereditary; Tumor predisposition; Hereditary Cancer Syndrome. Identifiers: Orphanet 140162, MedGen C0027672, MeSH D009386, MONDO:0015356.
DICER1-related tumor predisposition. Also called: DICER1 syndrome; DICER1-related pleuropulmonary blastoma cancer predisposition syndrome. Identifiers: Orphanet 284343, MedGen C3839822, MONDO:0100216.

Submissions (2):

Ambry Genetics
Classification: Uncertain significance for Hereditary cancer-predisposing syndrome. Last evaluated: 2025-05-31. Review status: criteria provided, single submitter. Criteria: Ambry Variant Classification Scheme 2023. Collection method: clinical testing. Allele origin: germline.
Comment: The p.P714A variant (also known as c.2140C>G), located in coding exon 13 of the DICER1 gene, results from a C to G substitution at nucleotide position 2140. The proline at codon 714 is replaced by alanine, an amino acid with highly similar properties. This amino acid position is conserved. In addition, this alteration is predicted to be deleterious by in silico analysis. Based on the available evidence, the clinical significance of this variant remains unclear.

Labcorp Genetics (formerly Invitae), Labcorp
Classification: Uncertain significance for DICER1-related tumor predisposition. Last evaluated: 2020-08-27. Review status: criteria provided, single submitter. Criteria: Invitae Variant Classification Sherloc (09022015). Collection method: clinical testing. Allele origin: germline.
Comment: This sequence change replaces proline with alanine at codon 714 of the DICER1 protein (p.Pro714Ala). The proline residue is highly conserved and there is a small physicochemical difference between proline and alanine. This variant is not present in population databases (ExAC no frequency). This variant has not been reported in the literature in individuals with DICER1-related conditions. Algorithms developed to predict the effect of missense changes on protein structure and function (SIFT, PolyPhen-2, Align-GVGD) all suggest that this variant is likely to be disruptive, but these predictions have not been confirmed by published functional studies and their clinical significance is uncertain. In summary, the available evidence is currently insufficient to determine the role of this variant in disease. Therefore, it has been classified as a Variant of Uncertain Significance.

NM_177438.3(DICER1):c.2140C>G (p.Pro714Ala)

Gene: DICER1 (dicer 1, ribonuclease III; minus strand). Cytogenetic location: 14q32.13.
Variant type: single nucleotide variant.
Coding change: c.2140C>G on transcript NM_177438.3 (MANE Select); coding-DNA position 2140, C replaced by G.
Protein change: p.Pro714Ala; replaces proline 714 with alanine.
Molecular consequence: missense variant.
Genome position (GRCh38, 1-based): chr14:95,111,433, G>C on the plus strand (C>G on the coding strand, the complement: DICER1 is on the minus strand). VCF-style: chr14-95111433-G-C. GRCh37 (hg19) VCF-style: chr14-95577770-G-C.
Other names: c.2140C>G (NM_177438.2); c.2140C>G, p.Pro714Ala (NM_001195573.1, NM_001271282.3, NM_001291628.2 and 1 more transcripts); short protein forms P714A.
Identifiers: ClinVar variation 1046960 (VCV001046960.11), dbSNP rs911090648, ClinGen allele CA390882854.
Genomic context (GRCh38, chr14:95,111,433, plus strand): 5'-TCTCTTCTTCATCATGCAAATCAAGCTCCTCTTCATATTTAACAGTCTCTTTCCCAACTG[G>C]CATCAAATGGTCATCCAGTTCGCCTAACAAATTTAAAGAGAGAATTAACACAATCCAGAT-3'
Protein context (NP_803187.1, residues 704-724): KIGELDDHLM[Pro714Ala]VGKETVKYEE